The following is an entry in ClinVar:

ClinVar aggregate classification (germline): Uncertain significance. Review status: criteria provided, multiple submitters, no conflicts (2 of 4 stars). 2 submissions from 2 submitters: Uncertain significance (2). Last evaluated 2022-08-26.

Conditions:
Frontotemporal dementia (FTD1). Also called: WILHELMSEN-LYNCH DISEASE; FRONTOTEMPORAL DEMENTIA WITH PARKINSONISM; FRONTOTEMPORAL LOBE DEMENTIA; FRONTOTEMPORAL LOBAR DEGENERATION WITH TAU INCLUSIONS; FTLD WITH TAU INCLUSIONS; MULTIPLE SYSTEM TAUOPATHY WITH PRESENILE DEMENTIA. Identifiers: Orphanet 282, MedGen C0338451, MONDO:0017276, OMIM 600274, HP:0002145.

Allele frequency attached by ClinVar (database versions not stated): ExAC 0.00001; gnomAD exomes 0.00001.
gnomAD v4.1: 11 of 1,385,232 alleles (0.00079%); highest among the groups gnomAD compares: Non-Finnish European, 0.00088%; no homozygotes.

Submissions (2):

GeneDx
Classification: Uncertain significance. Last evaluated: 2022-08-26. Review status: criteria provided, single submitter. Criteria: GeneDx Variant Classification Process June 2021. Collection method: clinical testing. Allele origin: germline. Affected: yes.
Comment: Observed in one patient with probable dementia with Lewy bodies (Meeus B et al.. 2012); In silico analysis supports that this missense variant does not alter protein structure/function; This variant is associated with the following publications: (PMID: 22118943, 26528178)

Labcorp Genetics (formerly Invitae), Labcorp
Classification: Uncertain significance for Frontotemporal dementia. Last evaluated: 2022-04-12. Review status: criteria provided, single submitter. Criteria: Invitae Variant Classification Sherloc (09022015). Collection method: clinical testing. Allele origin: germline.
Comment: In summary, the available evidence is currently insufficient to determine the role of this variant in disease. Therefore, it has been classified as a Variant of Uncertain Significance. Algorithms developed to predict the effect of missense changes on protein structure and function are either unavailable or do not agree on the potential impact of this missense change (SIFT: "Deleterious"; PolyPhen-2: "Probably Damaging"; Align-GVGD: "Class C0"). This missense change has been observed in individual(s) with clinical features of MAPT-related conditions (PMID: 22118943). This variant is present in population databases (rs779901466, gnomAD 0.005%). This sequence change replaces arginine, which is basic and polar, with glutamine, which is neutral and polar, at codon 221 of the MAPT protein (p.Arg221Gln).

Literature cited by the submitters: PubMed 22118943 (cited by Labcorp Genetics (formerly Invitae), Labcorp).

NM_001377265.1(MAPT):c.1838G>A (p.Arg613Gln)

Gene: MAPT (microtubule associated protein tau). Cytogenetic location: 17q21.31.
Variant type: single nucleotide variant.
Coding change: c.1838G>A on transcript NM_001377265.1 (MANE Select); coding-DNA position 1838, G replaced by A.
Protein change: p.Arg613Gln; replaces arginine 613 with glutamine.
Molecular consequence: missense variant.
Genome position (GRCh38, 1-based): chr17:45,996,504, G>A. VCF-style: chr17-45996504-G-A. GRCh37 (hg19) VCF-style: chr17-44073870-G-A.
Other names: c.1667G>A, p.Arg556Gln (NM_001123066.4); c.575G>A, p.Arg192Gln (NM_001123067.4, NM_001203251.2, NM_001377267.1); c.662G>A, p.Arg221Gln (NM_001203252.2, NM_005910.6); c.1640G>A, p.Arg547Gln (NM_001377266.1); c.488G>A, p.Arg163Gln (NM_001377268.1, NM_016834.5, NM_016841.5); c.1613G>A, p.Arg538Gln (NM_016835.5); c.662G>A (NM_005910.5); short protein forms R163Q, R547Q, R192Q, R221Q, R538Q, R556Q, R613Q.
Identifiers: ClinVar variation 2138061 (VCV002138061.5), dbSNP rs779901466, ClinGen allele CA8618047.